The following is an entry in ClinVar:

ClinVar aggregate classification (germline): Pathogenic/Likely pathogenic. Review status: criteria provided, multiple submitters, no conflicts (2 of 4 stars). 2 submissions from 2 submitters: Pathogenic (1); Likely pathogenic (1). Last evaluated 2021-12-21.

Conditions:
Spastic paraplegia. Identifiers: MedGen C0037772, HP:0001258.
Charlevoix-Saguenay spastic ataxia (SACS). Also called: SPASTIC ATAXIA 6, AUTOSOMAL RECESSIVE; Spastic ataxia of Charlevoix-Saguenay; AUTOSOMAL RECESSIVE SPASTIC ATAXIA OF CHARLEVOIX-SAGUENAY. Identifiers: Orphanet 98, MedGen C1849140, MONDO:0010041, OMIM 270550.

Submissions (2):

Baylor Genetics
Classification: Likely pathogenic for Charlevoix-Saguenay spastic ataxia. Last evaluated: 2021-12-21. Review status: criteria provided, single submitter. Criteria: ACMG Guidelines, 2015. Collection method: clinical testing. Allele origin: unknown.

Labcorp Genetics (formerly Invitae), Labcorp
Classification: Pathogenic for Spastic paraplegia. Last evaluated: 2021-11-06. Review status: criteria provided, single submitter. Criteria: Invitae Variant Classification Sherloc (09022015). Collection method: clinical testing. Allele origin: germline.
Comment: This variant is not present in population databases (gnomAD no frequency). For these reasons, this variant has been classified as Pathogenic. This variant disrupts a region of the SACS protein in which other variant(s) (p.Tyr4538*) have been determined to be pathogenic (Invitae). This suggests that this is a clinically significant region of the protein, and that variants that disrupt it are likely to be disease-causing. This variant has not been reported in the literature in individuals affected with SACS-related conditions. This sequence change creates a premature translational stop signal (p.Glu2418*) in the SACS gene. While this is not anticipated to result in nonsense mediated decay, it is expected to disrupt the last 2162 amino acid(s) of the SACS protein.

NM_014363.6(SACS):c.7252G>T (p.Glu2418Ter)

Gene: SACS (sacsin molecular chaperone; minus strand). Cytogenetic location: 13q12.12.
Variant type: single nucleotide variant.
Coding change: c.7252G>T on transcript NM_014363.6 (MANE Select); coding-DNA position 7252, G replaced by T.
Protein change: p.Glu2418Ter; replaces glutamic acid 2418 with a stop codon.
Molecular consequence: nonsense.
Genome position (GRCh38, 1-based): chr13:23,336,624, C>A on the plus strand (G>T on the coding strand, the complement: SACS is on the minus strand). VCF-style: chr13-23336624-C-A. GRCh37 (hg19) VCF-style: chr13-23910763-C-A.
Other names: c.6811G>T, p.Glu2271Ter (NM_001278055.2); short protein forms E2271*, E2418*.
Identifiers: ClinVar variation 1457898 (VCV001457898.7), dbSNP rs2137602382, ClinGen allele CA387519710.